The following is an entry in ClinVar:

NM_014049.5(ACAD9):c.*18C>G

Genes: ACAD9 (acyl-CoA dehydrogenase family member 9; plus strand), CFAP92 (cilia and flagella associated protein 92 (putative); minus strand). Cytogenetic location: 3q21.3.
Variant type: single nucleotide variant.
Coding change: c.*18C>G on transcript NM_014049.5 (MANE Select); 18 bases downstream of the stop codon, C replaced by G.
Molecular consequence: 3 prime UTR variant. On other transcripts: non-coding transcript variant (1), intron variant (3).
Genome position (GRCh38, 1-based): chr3:128,912,625, C>G. VCF-style: chr3-128912625-C-G. GRCh37 (hg19) VCF-style: chr3-128631468-C-G.
Other names: c.*18C>G (NM_001410805.1); c.2312-2292G>C (NM_001348521.2); c.2408-2292G>C (NM_001348520.2); c.3281-2292G>C (NM_001394090.1).
Identifiers: ClinVar variation 384854 (VCV000384854.2), dbSNP rs1057522063, ClinGen allele CA16604459.

ClinVar aggregate classification (germline): Likely benign (1 of 4 stars; one submission).

Submission:

GeneDx
Classification: Likely benign. Last evaluated: 2016-03-31. Review status: criteria provided, single submitter. Criteria: GeneDx Variant Classification (06012015). Collection method: clinical testing. Allele origin: germline. Affected: yes.
Comment: This variant is considered likely benign or benign based on one or more of the following criteria: it is a conservative change, it occurs at a poorly conserved position in the protein, it is predicted to be benign by multiple in silico algorithms, and/or has population frequency not consistent with disease.